The following is an entry in ClinVar:

NM_006031.6(PCNT):c.3897T>A (p.Asn1299Lys)

Gene: PCNT (pericentrin; plus strand). Cytogenetic location: 21q22.3.
Variant type: single nucleotide variant.
Coding change: c.3897T>A on transcript NM_006031.6 (MANE Select); coding-DNA position 3897, T replaced by A.
Protein change: p.Asn1299Lys; replaces asparagine 1299 with lysine.
Molecular consequence: missense variant.
Genome position (GRCh38, 1-based): chr21:46,390,726, T>A. VCF-style: chr21-46390726-T-A. GRCh37 (hg19) VCF-style: chr21-47810641-T-A.
Other names: c.3543T>A, p.Asn1181Lys (NM_001315529.2); short protein forms N1181K, N1299K.
Identifiers: ClinVar variation 1371568 (VCV001371568.6), dbSNP rs1601936257, ClinGen allele CA410576184.

ClinVar aggregate classification (germline): Uncertain significance (1 of 4 stars; one submission).

Allele frequency attached by ClinVar (database versions not stated): TOPMed below 0.00001.

Submission:

Labcorp Genetics (formerly Invitae), Labcorp
Classification: Uncertain significance. Last evaluated: 2024-09-16. Review status: criteria provided, single submitter. Criteria: Invitae Variant Classification Sherloc (09022015). Collection method: clinical testing. Allele origin: germline.
Comment: This sequence change replaces asparagine, which is neutral and polar, with lysine, which is basic and polar, at codon 1299 of the PCNT protein (p.Asn1299Lys). This variant is not present in population databases (gnomAD no frequency). This variant has not been reported in the literature in individuals affected with PCNT-related conditions. ClinVar contains an entry for this variant (Variation ID: 1371568). An algorithm developed to predict the effect of missense changes on protein structure and function (PolyPhen-2) suggests that this variant is likely to be disruptive. In summary, the available evidence is currently insufficient to determine the role of this variant in disease. Therefore, it has been classified as a Variant of Uncertain Significance.